The following is an entry in ClinVar:

NM_001130009.3(GEN1):c.264G>C (p.Lys88Asn)

Gene: GEN1 (GEN1 structure-specific endonuclease; plus strand). Cytogenetic location: 2p24.2.
Variant type: single nucleotide variant.
Coding change: c.264G>C on transcript NM_001130009.3 (MANE Select); coding-DNA position 264, G replaced by C.
Protein change: p.Lys88Asn; replaces lysine 88 with asparagine.
Molecular consequence: missense variant.
Genome position (GRCh38, 1-based): chr2:17,761,498, G>C. VCF-style: chr2-17761498-G-C. GRCh37 (hg19) VCF-style: chr2-17942765-G-C.
Other names: c.264G>C, p.Lys88Asn (NM_182625.5); short protein forms K88N.
Identifiers: ClinVar variation 4842195 (VCV004842195.1).
Genomic context (GRCh38, chr2:17,761,498, plus strand): 5'-AAAACTGGTATTTGTTATGGAAGGGGAACCACCAAAGCTGAAAGCTGATGTCATAAGCAA[G>C]AGGAATCAGTCTCGGTATGGGTCTTCTGGAAAATCGTGGTCTCAGAAAACAGGGAGATCA-3'
Protein context (NP_001123481.3, residues 78-98): PPKLKADVIS[Lys88Asn]RNQSRYGSSG

ClinVar aggregate classification (germline): Uncertain significance (1 of 4 stars; one submission).

gnomAD v4.1: 3 of 1,613,296 alleles (0.00019%); highest among the groups gnomAD compares: Non-Finnish European, 0.00017%; no homozygotes.

Submission:

Ambry Genetics
Classification: Uncertain significance. Last evaluated: 2025-12-22. Review status: criteria provided, single submitter. Criteria: Ambry Variant Classification Scheme 2023. Collection method: clinical testing. Allele origin: germline.
Comment: The p.K88N variant (also known as c.264G>C), located in coding exon 2 of the GEN1 gene, results from a G to C substitution at nucleotide position 264. The lysine at codon 88 is replaced by asparagine, an amino acid with similar properties. This amino acid position is conserved. In addition, this alteration is predicted to be tolerated by in silico analysis. Based on the available evidence, the clinical significance of this variant remains unclear.